The following is an entry in ClinVar:

ClinVar aggregate classification (germline): Pathogenic (1 of 4 stars; one submission).

Conditions:
Familial cancer of breast. Also called: Hereditary breast cancer; BREAST CANCER, FAMILIAL; hereditary breast carcinoma. Identifiers: Orphanet 227535, MedGen C0346153, MONDO:0016419, OMIM 114480. Disease mechanism: loss of function.

Submission:

Myriad Genetics, Inc.
Classification: Pathogenic for Familial cancer of breast. Last evaluated: 2023-09-13. Review status: criteria provided, single submitter. Criteria: Myriad Autosomal Dominant, Autosomal Recessive and X-Linked Classification Criteria (2023). Collection method: clinical testing. Allele origin: unknown.
Comment: This variant is considered pathogenic. This variant creates a termination codon and is predicted to result in premature protein truncation.

NM_024675.4(PALB2):c.2604T>A (p.Cys868Ter)

Gene: PALB2 (partner and localizer of BRCA2; minus strand). Cytogenetic location: 16p12.2.
Variant type: single nucleotide variant.
Coding change: c.2604T>A on transcript NM_024675.4 (MANE Select); coding-DNA position 2604, T replaced by A.
Protein change: p.Cys868Ter; replaces cysteine 868 with a stop codon.
Molecular consequence: nonsense. On other transcripts: intron variant (3).
Genome position (GRCh38, 1-based): chr16:23,626,380, A>T on the plus strand (T>A on the coding strand, the complement: PALB2 is on the minus strand). VCF-style: chr16-23626380-A-T. GRCh37 (hg19) VCF-style: chr16-23637701-A-T.
Other names: c.2544T>A, p.Cys848Ter (NM_001407296.1); c.2532T>A, p.Cys844Ter (NM_001407297.1); c.2604T>A, p.Cys868Ter (NM_001407299.1, NM_001407300.1, NM_001407301.1); c.1719T>A, p.Cys573Ter (NM_001407304.1, NM_001407305.1, NM_001407306.1 and 4 more transcripts); c.816T>A, p.Cys272Ter (NM_001407312.1, NM_001407313.1); c.138T>A, p.Cys46Ter (NM_001407314.1); c.2587-2286T>A (NM_001407302.1, NM_001407298.1); c.1702-2286T>A (NM_001407307.1); short protein forms C272*, C46*, C573*, C844*, C848*, C868*.
Identifiers: ClinVar variation 2674083 (VCV002674083.1), dbSNP rs2142356386, ClinGen allele CA395122230.